The following is an entry in ClinVar:

NM_133510.4(RAD51B):c.347A>T (p.Gln116Leu)

Gene: RAD51B (RAD51 paralog B; plus strand). Cytogenetic location: 14q24.1.
Variant type: single nucleotide variant.
Coding change: c.347A>T on transcript NM_133510.4 (MANE Select); coding-DNA position 347, A replaced by T.
Protein change: p.Gln116Leu; replaces glutamine 116 with leucine.
Molecular consequence: missense variant. On other transcripts: 5 prime UTR variant (1).
Genome position (GRCh38, 1-based): chr14:67,865,034, A>T. VCF-style: chr14-67865034-A-T. GRCh37 (hg19) VCF-style: chr14-68331751-A-T.
Other names: c.347A>T, p.Gln116Leu (NM_001321810.2, NM_001321812.1, NM_001321814.2 and 6 more transcripts); c.233A>T, p.Gln78Leu (NM_001321815.1); c.-11A>T (NM_001321817.2); short protein forms Q78L, Q116L.
Identifiers: ClinVar variation 4149841 (VCV004149841.1).
Genomic context (GRCh38, chr14:67,865,034, plus strand): 5'-TTTTTTTTTTTTTTTTTTTTTTTTTTTAGATTACAGGTCCACCAGGTTGTGGAAAAACTC[A>T]GTTTTGTATAATGATGAGCATTTTGGCTACATTACCCACCAACATGGGAGGATTAGAAGG-3'
Protein context (NP_598194.1, residues 106-126): ITGPPGCGKT[Gln116Leu]FCIMMSILAT

ClinVar aggregate classification (germline): Uncertain significance (1 of 4 stars; one submission).

gnomAD v4.1: 1 of 1,341,080 alleles (0.000075%); no homozygotes.

Submission:

Ambry Genetics
Classification: Uncertain significance. Last evaluated: 2025-08-02. Review status: criteria provided, single submitter. Criteria: Ambry Variant Classification Scheme 2023. Collection method: clinical testing. Allele origin: germline.
Comment: The p.Q116L variant (also known as c.347A>T), located in coding exon 4 of the RAD51B gene, results from an A to T substitution at nucleotide position 347. The glutamine at codon 116 is replaced by leucine, an amino acid with dissimilar properties. This amino acid position is conserved. In addition, this alteration is predicted to be deleterious by in silico analysis. Based on the available evidence, the clinical significance of this variant remains unclear.